The following is an entry in ClinVar:

NC_000016.9:g.(8844397_8851613)_(8878428_?)dup

Gene: ABAT (4-aminobutyrate aminotransferase; plus strand). Cytogenetic location: 16p13.2.
Variant type: Duplication.
Identifiers: ClinVar variation 3339400 (VCV003339400.1).

ClinVar aggregate classification (germline): Uncertain significance (1 of 4 stars; one submission).

Submission:

Women's Health and Genetics/Laboratory Corporation of America, LabCorp
Classification: Uncertain significance. Last evaluated: 2024-07-23. Review status: criteria provided, single submitter. Criteria: LabCorp Variant Classification Summary - May 2015. Collection method: clinical testing. Allele origin: germline.
Comment: Variant summary: The variant involves the duplication of exons 6-16 in the ABAT gene. A presumed nomenclature of c.(316+1_317-1)_(*3141_?)dup has been designated for the purposes of this classification. The exact breakpoint at the 3' end of this variant is unknown, therefore this duplication may extend downstream of the annotated region of the gene. As it duplicates the termination codon, its effect on the encoded protein is unknown. The variant was absent in 21694 control chromosomes (gnomAD v4 SV database). The available data on variant occurrences in the general population are insufficient to allow any conclusion about variant significance. To our knowledge, no occurrence of c.(316+1_317-1)_(*3141_?)dup in individuals affected with Gamma-Aminobutyric Acid Transaminase Deficiency and no experimental evidence demonstrating its impact on protein function have been reported. ClinVar has one entry of this variant (Variant ID 3243343). Based on the evidence outlined above, the variant was classified as uncertain significance.